The following is an entry in ClinVar:

NM_000243.3(MEFV):c.1467G>A (p.Gln489=)

Gene: MEFV (MEFV innate immunity regulator, pyrin; minus strand). Cytogenetic location: 16p13.3.
Variant type: single nucleotide variant.
Coding change: c.1467G>A on transcript NM_000243.3 (MANE Select); coding-DNA position 1467, G replaced by A.
Protein change: p.Gln489=; no amino-acid change (glutamine 489 retained).
Molecular consequence: synonymous variant.
Genome position (GRCh38, 1-based): chr16:3,247,136, C>T on the plus strand (G>A on the coding strand, the complement: MEFV is on the minus strand). VCF-style: chr16-3247136-C-T. GRCh37 (hg19) VCF-style: chr16-3297136-C-T.
Other names: p.Q489Q:CAG>CAA; p.Gln489=; c.834G>A, p.Gln278= (NM_001198536.2).
Identifiers: ClinVar variation 97446 (VCV000097446.84), dbSNP rs61732424, ClinGen allele CA280406.

ClinVar aggregate classification (germline): Conflicting classifications of pathogenicity. Review status: criteria provided, conflicting classifications (1 of 4 stars). 14 submissions from 14 submitters: Uncertain significance (1); Benign (5); Likely benign (4). 4 of the submissions do not count toward it. Last evaluated 2026-09-01.

Conditions:
Inborn genetic diseases. Identifiers: MedGen C0950123, MeSH D030342.
Autoinflammatory syndrome. Identifiers: Orphanet 93665, MedGen C3890737, MONDO:0019751.
Familial Mediterranean fever (FMF). Also called: POLYSEROSITIS, FAMILIAL PAROXYSMAL; POLYSEROSITIS, RECURRENT; Periodic peritonitis; Benign paroxysmal peritonitis. Identifiers: Orphanet 342, MedGen C0031069, MONDO:0018088, OMIM 249100. Disease mechanism: gain of function.

Allele frequency attached by ClinVar (database versions not stated): 1000 Genomes Project 30x 0.00062; 1000 Genomes Project 0.00080; TOPMed 0.00195; ESP Exome Variant Server 0.00262; gnomAD 0.00331 and 0.00341; gnomAD exomes 0.00363 and 0.00378; ExAC 0.00379.
gnomAD v4.1: 5,935 of 1,614,236 alleles (0.37%); highest among the groups gnomAD compares: Non-Finnish European, 0.41%; 17 homozygotes.

Submissions (14):

CeGaT Center for Human Genetics Tuebingen
Classification: Likely benign. Last evaluated: 2026-09-01. Review status: criteria provided, single submitter. Criteria: CeGaT Center For Human Genetics Tuebingen Variant Classification Criteria Version 2. Collection method: clinical testing. Allele origin: germline. Affected: yes. Observed: 23 variant alleles.
Comment: MEFV: BP4, BP7

Labcorp Genetics (formerly Invitae), Labcorp
Classification: Benign for Familial Mediterranean fever. Last evaluated: 2026-02-02. Review status: criteria provided, single submitter. Criteria: Invitae Variant Classification Sherloc (09022015). Collection method: clinical testing. Allele origin: germline.

ARUP Laboratories, Molecular Genetics and Genomics, ARUP Laboratories
Classification: Benign. Last evaluated: 2025-01-24. Review status: criteria provided, single submitter. Criteria: ARUP Molecular Germline Variant Investigation Process 2024. Collection method: clinical testing. Allele origin: germline.

Blueprint Genetics
Classification: Likely benign. Last evaluated: 2024-11-22. Review status: criteria provided, single submitter. Criteria: ACMG Guidelines, 2015. Collection method: clinical testing. Allele origin: germline.

Mayo Clinic Laboratories, Mayo Clinic
Classification: Benign. Last evaluated: 2023-10-26. Review status: criteria provided, single submitter. Criteria: ACMG Guidelines, 2015. Collection method: clinical testing. Allele origin: germline. Observed: 7 variant alleles.
Comment: BS1, BS2, BP4, BP7

Genome Diagnostics Laboratory, The Hospital for Sick Children
Classification: Benign for Autoinflammatory syndrome. Last evaluated: 2022-02-25. Review status: criteria provided, single submitter. Criteria: ACMG Guidelines, 2015. Collection method: clinical testing. Allele origin: germline. Affected: yes.

Ambry Genetics
Classification: Likely benign for Inborn genetic diseases. Last evaluated: 2022-02-17. Review status: criteria provided, single submitter. Criteria: Ambry Variant Classification Scheme 2023. Collection method: clinical testing. Allele origin: germline.

Illumina Laboratory Services, Illumina
Classification: Uncertain significance for Familial Mediterranean fever. Last evaluated: 2018-01-13. Review status: criteria provided, single submitter. Criteria: ICSL Variant Classification Criteria 13 December 2019. Collection method: clinical testing. Allele origin: germline.

Women's Health and Genetics/Laboratory Corporation of America, LabCorp
Classification: Likely benign. Last evaluated: 2017-02-01. Review status: criteria provided, single submitter. Criteria: LabCorp Variant Classification Summary - May 2015. Collection method: clinical testing. Allele origin: germline.
Comment: Variant summary: The MEFV c.1467G>A (p.Gln489Gln) variant involves the alteration of a non-conserved nucleotide, resulting in a synonymous change. One in silico tool predicts a benign outcome for this substitution along with 5/5 splice prediction tools predicting the variant not to have a significance impact on normal splicing. The variant was found in 460/121412 control chromosomes (2 homozygotes) at a frequency of 0.0037888, which does not exceed the estimated maximal expected allele frequency of a pathogenic MEFV variant (0.0216506). The variant of interest has not, to our knowledge, been reported in affected individuals via publications; nor evaluated for functional impact by in vivo/vitro studies. In addition, a clinical diagnostic laboratory classified this variant as benign. Taken together, this variant is classified as likely benign.

GeneDx
Classification: Benign. Last evaluated: 2011-10-24. Review status: criteria provided, single submitter. Criteria: GeneDx Variant Classification (06012015). Collection method: clinical testing. Allele origin: germline. Affected: yes.
Comment: This variant is considered likely benign or benign based on one or more of the following criteria: it is a conservative change, it occurs at a poorly conserved position in the protein, it is predicted to be benign by multiple in silico algorithms, and/or has population frequency not consistent with disease.

Natera, Inc.
Classification: Likely benign for Familial Mediterranean fever. Last evaluated: 2019-12-19. Review status: no assertion criteria provided. Collection method: clinical testing. Allele origin: germline. Not counted in ClinVar's aggregate classification.

Diagnostic Laboratory, Department of Genetics, University Medical Center Groningen
Classification: Benign. Review status: no assertion criteria provided. Collection method: clinical testing. Allele origin: germline. Affected: yes. Study: VKGL Data-share Consensus. Not counted in ClinVar's aggregate classification.

Genome Diagnostics Laboratory, University Medical Center Utrecht
Classification: Likely benign. Review status: no assertion criteria provided. Collection method: clinical testing. Allele origin: germline. Affected: yes. Study: VKGL Data-share Consensus. Not counted in ClinVar's aggregate classification.

Unité médicale des maladies autoinflammatoires, CHRU Montpellier
No classification provided. Condition: Familial Mediterranean fever. Review status: no classification provided. Collection method: not provided. Allele origin: unknown. Not counted in ClinVar's aggregate classification.